The following is an entry in ClinVar:

ClinVar aggregate classification (germline): Likely pathogenic (1 of 4 stars; one submission).

Conditions:
Primary ciliary dyskinesia. Also called: Ciliary dyskinesia. Identifiers: Orphanet 244, MedGen C0008780, MONDO:0016575, HP:0012265.

Submission:

Labcorp Genetics (formerly Invitae), Labcorp
Classification: Likely pathogenic for Primary ciliary dyskinesia. Last evaluated: 2019-06-17. Review status: criteria provided, single submitter. Criteria: Invitae Variant Classification Sherloc (09022015). Collection method: clinical testing. Allele origin: germline.
Comment: In summary, the currently available evidence indicates that the variant is pathogenic, but additional data are needed to prove that conclusively. Therefore, this variant has been classified as Likely Pathogenic. Donor and acceptor splice site variants typically lead to a loss of protein function (PMID: 16199547), and loss-of-function variants in DNAH5 are known to be pathogenic (PMID: 11788826, 16627867). Algorithms developed to predict the effect of sequence changes on RNA splicing suggest that this variant may disrupt the consensus splice site, but this prediction has not been confirmed by published transcriptional studies. This variant has not been reported in the literature in individuals with DNAH5-related conditions. This variant is not present in population databases (ExAC no frequency). This sequence change affects an acceptor splice site in intron 1 of the DNAH5 gene. It is expected to disrupt RNA splicing and likely results in an absent or disrupted protein product.

Literature cited by the submitters: PubMed 16199547; PubMed 11788826; PubMed 16627867.

NM_001369.3(DNAH5):c.58-1G>A

Gene: DNAH5 (dynein axonemal heavy chain 5; minus strand). Cytogenetic location: 5p15.2.
Variant type: single nucleotide variant.
Coding change: c.58-1G>A on transcript NM_001369.3 (MANE Select); the canonical splice acceptor site of the intron before coding-DNA position 58, G replaced by A.
Molecular consequence: splice acceptor variant.
Genome position (GRCh38, 1-based): chr5:13,931,245, C>T on the plus strand (G>A on the coding strand, the complement: DNAH5 is on the minus strand). VCF-style: chr5-13931245-C-T. GRCh37 (hg19) VCF-style: chr5-13931354-C-T.
Identifiers: ClinVar variation 947532 (VCV000947532.8), dbSNP rs1778386695, ClinGen allele CA359230588.